The following is an entry in ClinVar:

ClinVar aggregate classification (germline): Uncertain significance (1 of 4 stars; one submission).

Conditions:
D-2-hydroxyglutaric aciduria 1 (D2HGA1). Identifiers: Orphanet 79315, MedGen C3152055, MONDO:0024554, OMIM 600721.

Submission:

Labcorp Genetics (formerly Invitae), Labcorp
Classification: Uncertain significance for D-2-hydroxyglutaric aciduria 1. Last evaluated: 2022-03-27. Review status: criteria provided, single submitter. Criteria: Invitae Variant Classification Sherloc (09022015). Collection method: clinical testing. Allele origin: germline.
Comment: In summary, the available evidence is currently insufficient to determine the role of this variant in disease. Therefore, it has been classified as a Variant of Uncertain Significance. Algorithms developed to predict the effect of missense changes on protein structure and function are either unavailable or do not agree on the potential impact of this missense change (SIFT: "Tolerated"; PolyPhen-2: "Probably Damaging"; Align-GVGD: "Class C0"). This variant has not been reported in the literature in individuals affected with D2HGDH-related conditions. This variant is not present in population databases (gnomAD no frequency). This sequence change replaces aspartic acid, which is acidic and polar, with glutamic acid, which is acidic and polar, at codon 91 of the D2HGDH protein (p.Asp91Glu).

NM_152783.5(D2HGDH):c.273C>G (p.Asp91Glu)

Genes: D2HGDH (D-2-hydroxyglutarate dehydrogenase; plus strand), LOC129936033 (ATAC-STARR-seq lymphoblastoid active region 17430; plus strand). Cytogenetic location: 2q37.3.
Variant type: single nucleotide variant.
Coding change: c.273C>G on transcript NM_152783.5 (MANE Select); coding-DNA position 273, C replaced by G.
Protein change: p.Asp91Glu; replaces aspartic acid 91 with glutamic acid.
Molecular consequence: missense variant. On other transcripts: 5 prime UTR variant (1), non-coding transcript variant (1), intron variant (1).
Genome position (GRCh38, 1-based): chr2:241,735,497, C>G. VCF-style: chr2-241735497-C-G. GRCh37 (hg19) VCF-style: chr2-242674912-C-G.
Other names: c.-272C>G (NM_001352824.2); c.-111+802C>G (NM_001287249.2); short protein forms D91E.
Identifiers: ClinVar variation 2093976 (VCV002093976.4), dbSNP rs2549802942, ClinGen allele CA351405171.
Genomic context (GRCh38, chr2:241,735,497, plus strand): 5'-GCGCATCGTGCCCGGCGGGGTCGTCACGGACCCGGAAGCGCTGCAGGCTCCCAACGTGGA[C>G]TGGTTGCGGACGCTGCGAGGTGGGTGAGGCTTGGGAAGCTGCGGCGTTTCCGCGTCCCTG-3'
Protein context (NP_689996.4, residues 81-101): DPEALQAPNV[Asp91Glu]WLRTLRGCSK